The following is an entry in ClinVar:

NM_001382430.1(AKT1):c.17T>C (p.Ile6Thr)

Gene: AKT1 (AKT serine/threonine kinase 1; minus strand). Cytogenetic location: 14q32.33.
Variant type: single nucleotide variant.
Coding change: c.17T>C on transcript NM_001382430.1 (MANE Select); coding-DNA position 17, T replaced by C.
Protein change: p.Ile6Thr; replaces isoleucine 6 with threonine.
Molecular consequence: missense variant.
Genome position (GRCh38, 1-based): chr14:104,792,627, A>G on the plus strand (T>C on the coding strand, the complement: AKT1 is on the minus strand). VCF-style: chr14-104792627-A-G. GRCh37 (hg19) VCF-style: chr14-105258964-A-G.
Other names: c.17T>C, p.Ile6Thr (NM_001014431.2, NM_001014432.2, NM_001382431.1 and 3 more transcripts); short protein forms I6T.
Identifiers: ClinVar variation 2042935 (VCV002042935.4), dbSNP rs1404637346, ClinGen allele CA391223931.

ClinVar aggregate classification (germline): Uncertain significance (1 of 4 stars; one submission).

Conditions:
Cowden syndrome 6 (CWS6). Identifiers: Orphanet 201, MedGen C3554519, MONDO:0014048, OMIM 615109.

Allele frequency attached by ClinVar (database versions not stated): gnomAD exomes 0.00002.
gnomAD v4.1: 33 of 1,611,560 alleles (0.002%); highest among the groups gnomAD compares: Non-Finnish European, 0.0027%; no homozygotes.

Submission:

Labcorp Genetics (formerly Invitae), Labcorp
Classification: Uncertain significance for Cowden syndrome 6. Last evaluated: 2023-01-13. Review status: criteria provided, single submitter. Criteria: Invitae Variant Classification Sherloc (09022015). Collection method: clinical testing. Allele origin: germline.
Comment: In summary, the available evidence is currently insufficient to determine the role of this variant in disease. Therefore, it has been classified as a Variant of Uncertain Significance. Algorithms developed to predict the effect of missense changes on protein structure and function are either unavailable or do not agree on the potential impact of this missense change (SIFT: "Deleterious"; PolyPhen-2: "Benign"; Align-GVGD: "Class C25"). This variant has not been reported in the literature in individuals affected with AKT1-related conditions. The frequency data for this variant in the population databases is considered unreliable, as metrics indicate poor data quality at this position in the gnomAD database. This sequence change replaces isoleucine, which is neutral and non-polar, with threonine, which is neutral and polar, at codon 6 of the AKT1 protein (p.Ile6Thr).